The following is an entry in ClinVar:

ClinVar aggregate classification (germline): Uncertain significance (1 of 4 stars; one submission).

Allele frequency attached by ClinVar (database versions not stated): gnomAD exomes below 0.00001; TOPMed 0.00002.
gnomAD v4.1: 2 of 1,540,632 alleles (0.00013%); highest among the groups gnomAD compares: Non-Finnish European, 0.000088%; no homozygotes.

Submission:

Labcorp Genetics (formerly Invitae), Labcorp
Classification: Uncertain significance. Last evaluated: 2023-10-03. Review status: criteria provided, single submitter. Criteria: Invitae Variant Classification Sherloc (09022015). Collection method: clinical testing. Allele origin: germline.
Comment: This sequence change replaces aspartic acid, which is acidic and polar, with glycine, which is neutral and non-polar, at codon 46 of the COL9A3 protein (p.Asp46Gly). This variant is not present in population databases (gnomAD no frequency). This variant has not been reported in the literature in individuals affected with COL9A3-related conditions. ClinVar contains an entry for this variant (Variation ID: 2123927). Advanced modeling of protein sequence and biophysical properties (such as structural, functional, and spatial information, amino acid conservation, physicochemical variation, residue mobility, and thermodynamic stability) performed at Invitae indicates that this missense variant is not expected to disrupt COL9A3 protein function. In summary, the available evidence is currently insufficient to determine the role of this variant in disease. Therefore, it has been classified as a Variant of Uncertain Significance.

NM_001853.4(COL9A3):c.137A>G (p.Asp46Gly)

Gene: COL9A3 (collagen type IX alpha 3 chain; plus strand). Cytogenetic location: 20q13.33.
Variant type: single nucleotide variant.
Coding change: c.137A>G on transcript NM_001853.4 (MANE Select); coding-DNA position 137, A replaced by G.
Protein change: p.Asp46Gly; replaces aspartic acid 46 with glycine.
Molecular consequence: missense variant.
Genome position (GRCh38, 1-based): chr20:62,817,625, A>G. VCF-style: chr20-62817625-A-G. GRCh37 (hg19) VCF-style: chr20-61448977-A-G.
Other names: short protein forms D46G.
Identifiers: ClinVar variation 2123927 (VCV002123927.4), dbSNP rs1167972821, ClinGen allele CA409587216.